The following is an entry in ClinVar:

ClinVar aggregate classification (germline): Uncertain significance (1 of 4 stars; one submission).

Conditions:
Pityriasis rubra pilaris (PRP). Also called: Pityriasis rubra pilaris--familial type. Identifiers: Orphanet 2897, MedGen C0032027, MONDO:0100017, OMIM 173200, MONDO:0008251.
Psoriasis 2. Identifiers: MedGen C1864497, MONDO:0011269, OMIM 602723.

Allele frequency attached by ClinVar (database versions not stated): gnomAD 0.00001; gnomAD exomes 0.00001; TOPMed 0.00002.
gnomAD v4.1: 16 of 1,612,918 alleles (0.00099%); highest among the groups gnomAD compares: Non-Finnish European, 0.0011%; no homozygotes.

Submission:

Labcorp Genetics (formerly Invitae), Labcorp
Classification: Uncertain significance for Pityriasis rubra pilaris; Psoriasis 2. Last evaluated: 2024-06-29. Review status: criteria provided, single submitter. Criteria: Invitae Variant Classification Sherloc (09022015). Collection method: clinical testing. Allele origin: germline.
Comment: This sequence change replaces alanine, which is neutral and non-polar, with valine, which is neutral and non-polar, at codon 604 of the CARD14 protein (p.Ala604Val). This variant is present in population databases (rs745532378, gnomAD 0.005%). This variant has not been reported in the literature in individuals affected with CARD14-related conditions. ClinVar contains an entry for this variant (Variation ID: 1395083). Advanced modeling of protein sequence and biophysical properties (such as structural, functional, and spatial information, amino acid conservation, physicochemical variation, residue mobility, and thermodynamic stability) performed at Invitae indicates that this missense variant is expected to disrupt CARD14 protein function with a positive predictive value of 80%. In summary, the available evidence is currently insufficient to determine the role of this variant in disease. Therefore, it has been classified as a Variant of Uncertain Significance.

NM_001366385.1(CARD14):c.1811C>T (p.Ala604Val)

Gene: CARD14 (caspase recruitment domain family member 14; plus strand). Cytogenetic location: 17q25.3.
Variant type: single nucleotide variant.
Coding change: c.1811C>T on transcript NM_001366385.1 (MANE Select); coding-DNA position 1811, C replaced by T.
Protein change: p.Ala604Val; replaces alanine 604 with valine.
Molecular consequence: missense variant. On other transcripts: non-coding transcript variant (1).
Genome position (GRCh38, 1-based): chr17:80,198,551, C>T. VCF-style: chr17-80198551-C-T. GRCh37 (hg19) VCF-style: chr17-78172350-C-T.
Other names: c.1811C>T, p.Ala604Val (NM_001257970.1, NM_024110.4); c.1100C>T, p.Ala367Val (NM_052819.3); short protein forms A367V, A604V.
Identifiers: ClinVar variation 1395083 (VCV001395083.8), dbSNP rs745532378, ClinGen allele CA294875745.